The following is an entry in ClinVar:

NM_130837.3(OPA1):c.2878C>T (p.Arg960Ter)

Gene: OPA1 (OPA1 mitochondrial dynamin like GTPase; plus strand). Cytogenetic location: 3q29.
Variant type: single nucleotide variant.
Coding change: c.2878C>T on transcript NM_130837.3 (MANE Select); coding-DNA position 2878, C replaced by T.
Protein change: p.Arg960Ter; replaces arginine 960 with a stop codon.
Molecular consequence: nonsense.
Genome position (GRCh38, 1-based): chr3:193,667,175, C>T. VCF-style: chr3-193667175-C-T. GRCh37 (hg19) VCF-style: chr3-193384964-C-T.
Other names: c.2344C>T, p.Arg782Ter (NM_001354663.2); c.2341C>T, p.Arg781Ter (NM_001354664.2); c.2713C>T, p.Arg905Ter (NM_015560.3); c.2605C>T, p.Arg869Ter (NM_130831.3); c.2659C>T, p.Arg887Ter (NM_130832.3); c.2716C>T, p.Arg906Ter (NM_130833.3); c.2767C>T, p.Arg923Ter (NM_130834.3); c.2770C>T, p.Arg924Ter (NM_130835.3); and 1 more; short protein forms R781*, R782*, R869*, R887*, R905*, R906*, R923*, R924*.
Identifiers: ClinVar variation 3250035 (VCV003250035.4).

ClinVar aggregate classification (germline): Pathogenic. Review status: criteria provided, multiple submitters, no conflicts (2 of 4 stars). 3 submissions from 3 submitters: Pathogenic (2). 1 of the submissions does not count toward it. Last evaluated 2026-01-07.

Conditions:
OPA1-related disorder. Also called: OPA1-related condition; OPA1-related disorders.
Optic atrophy. Identifiers: MedGen C0029124, MONDO:0003608, HP:0000648.

gnomAD v4.1: 3 of 1,515,916 alleles (0.0002%); highest among the groups gnomAD compares: Non-Finnish European, 0.00028%; no homozygotes.

Submissions (3):

Labcorp Genetics (formerly Invitae), Labcorp
Classification: Pathogenic. Last evaluated: 2026-01-07. Review status: criteria provided, single submitter. Criteria: Invitae Variant Classification Sherloc (09022015). Collection method: clinical testing. Allele origin: germline.
Comment: This sequence change creates a premature translational stop signal (p.Arg905*) in the OPA1 gene. It is expected to result in an absent or disrupted protein product. Loss-of-function variants in OPA1 are known to be pathogenic (PMID: 11440988, 20157015, 20952381, 25012220). This variant is not present in population databases (gnomAD no frequency). This premature translational stop signal has been observed in individual(s) with dominant optical atrophy (PMID: 11440989, 20952381, 32855858, 34242285, 36284460, 36460718). This variant is also known as p.Arg960Ter. ClinVar contains an entry for this variant (Variation ID: 3250035). For these reasons, this variant has been classified as Pathogenic.

Blueprint Genetics
Classification: Pathogenic for OPA1-related disorders. Last evaluated: 2024-07-08. Review status: criteria provided, single submitter. Criteria: ACMG Guidelines, 2015. Collection method: clinical testing. Allele origin: germline. Affected: yes. Observed: 4 variant alleles.

Institute of Human Genetics, Univ. Regensburg, Univ. Regensburg
Classification: Pathogenic for Optic atrophy. Last evaluated: 2023-01-01. Review status: no assertion criteria provided. Criteria: ACMG Guidelines, 2015. Collection method: clinical testing. Allele origin: germline. Affected: yes. Not counted in ClinVar's aggregate classification.

Literature cited by the submitters: PubMed 11440988 (cited by Labcorp Genetics (formerly Invitae), Labcorp); PubMed 20157015 (cited by Labcorp Genetics (formerly Invitae), Labcorp); PubMed 20952381 (cited by Labcorp Genetics (formerly Invitae), Labcorp); PubMed 25012220 (cited by Labcorp Genetics (formerly Invitae), Labcorp); PubMed 11440989 (cited by Labcorp Genetics (formerly Invitae), Labcorp); PubMed 32855858 (cited by Labcorp Genetics (formerly Invitae), Labcorp); PubMed 34242285 (cited by Labcorp Genetics (formerly Invitae), Labcorp); PubMed 36284460 (cited by Labcorp Genetics (formerly Invitae), Labcorp); PubMed 36460718 (cited by Labcorp Genetics (formerly Invitae), Labcorp).